The following is an entry in ClinVar:

NM_205836.3(FBXO38):c.1840A>G (p.Ile614Val)

Gene: FBXO38 (F-box protein 38; plus strand). Cytogenetic location: 5q32.
Variant type: single nucleotide variant.
Coding change: c.1840A>G on transcript NM_205836.3 (MANE Select); coding-DNA position 1840, A replaced by G.
Protein change: p.Ile614Val; replaces isoleucine 614 with valine.
Molecular consequence: missense variant.
Genome position (GRCh38, 1-based): chr5:148,425,623, A>G. VCF-style: chr5-148425623-A-G. GRCh37 (hg19) VCF-style: chr5-147805186-A-G.
Other names: c.1840A>G, p.Ile614Val (NM_001271723.2, NM_030793.5); short protein forms I614V.
Identifiers: ClinVar variation 2874557 (VCV002874557.3), dbSNP rs760580207, ClinGen allele CA3497391.

ClinVar aggregate classification (germline): Uncertain significance (1 of 4 stars; one submission).

Conditions:
Distal hereditary motor neuropathy type 2. Identifiers: Orphanet 139525, MedGen C3711384, MeSH C580044, MONDO:0015352.

Allele frequency attached by ClinVar (database versions not stated): TOPMed below 0.00001; ExAC 0.00001.
gnomAD v4.1: 4 of 1,614,024 alleles (0.00025%); highest among the groups gnomAD compares: Admixed American, 0.005%; no homozygotes.

Submission:

Labcorp Genetics (formerly Invitae), Labcorp
Classification: Uncertain significance for Distal hereditary motor neuropathy type 2. Last evaluated: 2024-09-21. Review status: criteria provided, single submitter. Criteria: Invitae Variant Classification Sherloc (09022015). Collection method: clinical testing. Allele origin: germline.
Comment: This sequence change replaces isoleucine, which is neutral and non-polar, with valine, which is neutral and non-polar, at codon 614 of the FBXO38 protein (p.Ile614Val). This variant is present in population databases (rs760580207, gnomAD 0.009%). This variant has not been reported in the literature in individuals affected with FBXO38-related conditions. Invitae Evidence Modeling of protein sequence and biophysical properties (such as structural, functional, and spatial information, amino acid conservation, physicochemical variation, residue mobility, and thermodynamic stability) indicates that this missense variant is not expected to disrupt FBXO38 protein function with a negative predictive value of 80%. In summary, the available evidence is currently insufficient to determine the role of this variant in disease. Therefore, it has been classified as a Variant of Uncertain Significance.